The following is an entry in ClinVar:

ClinVar aggregate classification (germline): Uncertain significance. Review status: criteria provided, single submitter (1 of 4 stars). 2 submissions from 2 submitters: Uncertain significance (1). 1 of the submissions does not count toward it. Last evaluated 2024-10-11.

Conditions:
Charcot-Marie-Tooth disease. Also called: Charcot-Marie-Tooth Neuropathy; Charcot-Marie-Tooth Hereditary Neuropathy. Identifiers: Orphanet 166, MedGen C0007959, MONDO:0015626.
NEFL-related disorder. Also called: NEFL-related condition.

Submissions (2):

3billion
Classification: Uncertain significance for NEFL-related disorder. Last evaluated: 2024-10-11. Review status: criteria provided, single submitter. Criteria: ACMG Guidelines, 2015. Collection method: clinical testing. Allele origin: germline. Affected: yes.
Comment: The variant is not observed in the gnomAD v4.1.0 dataset. Predicted Consequence/Location: Missense variant In silico tool predictions suggest damaging effect of the variant on gene or gene product [3Cnet: 0.65 (>=0.6, sensitivity 0.72 and precision 0.9)]. The same nucleotide change resulting in the same amino acid change has been previously reported to be associated with NEFL related disorder (PMID: 27862672).A different missense change at the same codon (p.Leu94Pro) has been reported to be associated with NEFL related disorder (ClinVar ID: VCV000014033 /PMID: 17620486). However the evidence of pathogenicity is insufficient at this time. Therefore, this variant is classified as VUS according to the recommendation of ACMG/AMP guideline.

Genesis Genome Database
Classification: Uncertain significance for Charcot-Marie-Tooth disease. Last evaluated: 2019-08-14. Review status: no assertion criteria provided. Collection method: research. Allele origin: germline. Affected: yes. Not counted in ClinVar's aggregate classification.

Literature cited by the submitters: PubMed 17620486 (cited by 3billion); PubMed 27862672 (cited by 3billion).

NM_006158.5(NEFL):c.280C>T (p.Leu94Phe)

Gene: NEFL (neurofilament light chain; minus strand). Cytogenetic location: 8p21.2.
Variant type: single nucleotide variant.
Coding change: c.280C>T on transcript NM_006158.5 (MANE Select); coding-DNA position 280, C replaced by T.
Protein change: p.Leu94Phe; replaces leucine 94 with phenylalanine.
Molecular consequence: missense variant.
Genome position (GRCh38, 1-based): chr8:24,956,236, G>A on the plus strand (C>T on the coding strand, the complement: NEFL is on the minus strand). VCF-style: chr8-24956236-G-A. GRCh37 (hg19) VCF-style: chr8-24813750-G-A.
Other names: short protein forms L94F.
Identifiers: ClinVar variation 695005 (VCV000695005.2), dbSNP rs1586128912, ClinGen allele CA370622933.